The following is an entry in ClinVar:

ClinVar aggregate classification (germline): Pathogenic (1 of 4 stars; one submission).

Conditions:
Nemaline myopathy 2 (NEM2). Also called: Nemaline myopathy 2, autosomal recessive. Identifiers: MedGen C1850569, MONDO:0009725, OMIM 256030.

Submission:

Labcorp Genetics (formerly Invitae), Labcorp
Classification: Pathogenic for Nemaline myopathy 2. Last evaluated: 2022-10-13. Review status: criteria provided, single submitter. Criteria: Invitae Variant Classification Sherloc (09022015). Collection method: clinical testing. Allele origin: germline.
Comment: For these reasons, this variant has been classified as Pathogenic. ClinVar contains an entry for this variant (Variation ID: 665171). This variant has not been reported in the literature in individuals affected with NEB-related conditions. This variant is not present in population databases (gnomAD no frequency). This sequence change creates a premature translational stop signal (p.Asn3685Lysfs*8) in the NEB gene. It is expected to result in an absent or disrupted protein product. Loss-of-function variants in NEB are known to be pathogenic (PMID: 25205138).

Literature cited by the submitters: PubMed 25205138.

NM_001164508.2(NEB):c.11054dup (p.Asn3685fs)

Gene: NEB (nebulin; minus strand). Cytogenetic location: 2q23.3.
Variant type: Duplication.
Coding change: c.11054dup on transcript NM_001164508.2 (MANE Select); coding-DNA position 11054, one base duplicated (A; older notation c.11054dupA).
Protein change: p.Asn3685fs; shifts the reading frame from asparagine 3685.
Molecular consequence: frameshift variant.
Genome position (GRCh38, 1-based): chr2:151,618,297, T duplicated on the plus strand (A on the coding strand, the reverse complement: NEB is on the minus strand); the first of 6 consecutive T bases (chr2:151,618,297-151,618,302); duplicating any one gives the same sequence. VCF-style (leftmost placement, unchanged base first): chr2-151618296-G-GT. GRCh37 (hg19) VCF-style: chr2-152474810-G-GT.
Other names: c.11054dup, p.Asn3685fs (NM_001164507.2, NM_001271208.2); c.10325dup, p.Asn3442fs (NM_004543.5); short protein forms N3442fs, N3685fs.
Identifiers: ClinVar variation 665171 (VCV000665171.8), dbSNP rs1560499498, ClinGen allele CA645526109.